The following is an entry in ClinVar:

Conditions:
Long QT syndrome 5 (LQT5). Identifiers: Orphanet 101016, Orphanet 768, MedGen C1867904, MONDO:0013372, OMIM 613695.

Submission:

Roden Lab, Vanderbilt University Medical Center
No classification provided (evidence only). Condition: Long QT syndrome 5. Review status: no classification provided. Collection method: in vitro. Allele origin: not applicable. Functional consequence: Effect on ion channel function.
ClinVar note: "not provided" was previously submitted as the classification for the variant. However, the classification appeared to be based only on an observation of functional data so it was converted to no classification on 2025-07-30.

NM_000219.6(KCNE1):c.234C>A (p.Phe78Leu)

Gene: KCNE1 (potassium voltage-gated channel subfamily E regulatory subunit 1; minus strand). Cytogenetic location: 21q22.12.
Variant type: single nucleotide variant.
Coding change: c.234C>A on transcript NM_000219.6 (MANE Select); coding-DNA position 234, C replaced by A.
Protein change: p.Phe78Leu; replaces phenylalanine 78 with leucine.
Molecular consequence: missense variant.
Genome position (GRCh38, 1-based): chr21:34,449,401, G>T on the plus strand (C>A on the coding strand, the complement: KCNE1 is on the minus strand). VCF-style: chr21-34449401-G-T. GRCh37 (hg19) VCF-style: chr21-35821699-G-T.
Other names: c.234C>A, p.Phe78Leu (NM_001127668.4, NM_001127669.4, NM_001127670.4 and 4 more transcripts); short protein forms F78L.
Identifiers: ClinVar variation 3374397 (VCV003374397.2).